The following is an entry in ClinVar:

ClinVar aggregate classification (germline): Pathogenic (1 of 4 stars; one submission).

Conditions:
Catecholaminergic polymorphic ventricular tachycardia 1. Also called: VENTRICULAR TACHYCARDIA, STRESS-INDUCED POLYMORPHIC 1; VENTRICULAR TACHYCARDIA, CATECHOLAMINERGIC POLYMORPHIC, 1, WITH OR WITHOUT ATRIAL DYSFUNCTION AND/OR DILATED CARDIOMYOPATHY; RYR2-Related Catecholaminergic Polymorphic Ventricular Tachycardia. Identifiers: Orphanet 3286, MedGen C1631597, MONDO:0011484, OMIM 604772.

Submission:

Labcorp Genetics (formerly Invitae), Labcorp
Classification: Pathogenic for Catecholaminergic polymorphic ventricular tachycardia 1. Last evaluated: 2023-12-11. Review status: criteria provided, single submitter. Criteria: Invitae Variant Classification Sherloc (09022015). Collection method: clinical testing. Allele origin: germline.
Comment: This sequence change replaces histidine, which is basic and polar, with tyrosine, which is neutral and polar, at codon 4108 of the RYR2 protein (p.His4108Tyr). This variant is not present in population databases (gnomAD no frequency). This missense change has been observed in individual(s) with clinical features of autosomal dominant RYR2-related conditions (Invitae). In at least one individual the variant was observed to be de novo. ClinVar contains an entry for this variant (Variation ID: 1932217). Advanced modeling of protein sequence and biophysical properties (such as structural, functional, and spatial information, amino acid conservation, physicochemical variation, residue mobility, and thermodynamic stability) performed at Invitae indicates that this missense variant is expected to disrupt RYR2 protein function with a positive predictive value of 95%. This variant disrupts the p.His4108 amino acid residue in RYR2. Other variant(s) that disrupt this residue have been determined to be pathogenic (PMID: 16272262, 27733687). This suggests that this residue is clinically significant, and that variants that disrupt this residue are likely to be disease-causing. For these reasons, this variant has been classified as Pathogenic.

Literature cited by the submitters: PubMed 16272262; PubMed 27733687.

NM_001035.3(RYR2):c.12322C>T (p.His4108Tyr)

Gene: RYR2 (ryanodine receptor 2; plus strand). Cytogenetic location: 1q43.
Variant type: single nucleotide variant.
Coding change: c.12322C>T on transcript NM_001035.3 (MANE Select); coding-DNA position 12322, C replaced by T.
Protein change: p.His4108Tyr; replaces histidine 4108 with tyrosine.
Molecular consequence: missense variant.
Genome position (GRCh38, 1-based): chr1:237,784,034, C>T. VCF-style: chr1-237784034-C-T. GRCh37 (hg19) VCF-style: chr1-237947334-C-T.
Other names: short protein forms H4108Y.
Identifiers: ClinVar variation 1932217 (VCV001932217.5), dbSNP rs1250457347, ClinGen allele CA345412963.